The following is an entry in ClinVar:

ClinVar aggregate classification (germline): Uncertain significance (1 of 4 stars; one submission).

gnomAD v4.1: 2 of 1,500,442 alleles (0.00013%); highest among the groups gnomAD compares: Non-Finnish European, 0.00018%; no homozygotes.

Submission:

Ambry Genetics
Classification: Uncertain significance. Last evaluated: 2025-04-13. Review status: criteria provided, single submitter. Criteria: Ambry Variant Classification Scheme 2023. Collection method: clinical testing. Allele origin: germline.
Comment: The p.N19S variant (also known as c.56A>G), located in coding exon 1 of the PALLD gene, results from an A to G substitution at nucleotide position 56. The asparagine at codon 19 is replaced by serine, an amino acid with highly similar properties. This amino acid position is conserved. In addition, this alteration is predicted to be tolerated by in silico analysis. Based on the available evidence, the clinical significance of this variant remains unclear.

NM_001166108.2(PALLD):c.1965-12975A>G

Gene: PALLD (palladin, cytoskeletal associated protein; plus strand). Cytogenetic location: 4q32.3.
Variant type: single nucleotide variant.
Coding change: c.1965-12975A>G on transcript NM_001166108.2 (MANE Select); 12975 bases into the intron before coding-DNA position 1965, A replaced by G.
Molecular consequence: intron variant. On other transcripts: missense variant (1).
Genome position (GRCh38, 1-based): chr4:168,877,947, A>G. VCF-style: chr4-168877947-A-G. GRCh37 (hg19) VCF-style: chr4-169799098-A-G.
Other names: c.56A>G, p.Asn19Ser (NM_001166110.2); c.1965-12975A>G (NM_016081.4); c.819-12975A>G (NM_001166109.2); c.-157-12975A>G (NM_001367570.1, NM_001367568.1, NM_001367567.1 and 1 more transcripts); short protein forms N19S.
Identifiers: ClinVar variation 3927532 (VCV003927532.1).